The following is an entry in ClinVar:

NM_001267550.2(TTN):c.63234del (p.Lys21078fs)

Genes: TTN-AS1 (TTN antisense RNA 1; plus strand), TTN (titin; minus strand). Cytogenetic location: 2q31.2.
Variant type: Deletion.
Coding change: c.63234del on transcript NM_001267550.2 (MANE Select); coding-DNA position 63234, one base deleted (A; older notation c.63234delA).
Protein change: p.Lys21078fs; shifts the reading frame from lysine 21078.
Molecular consequence: frameshift variant.
Genome position (GRCh38, 1-based): chr2:178,588,173, T deleted on the plus strand (A on the coding strand, the reverse complement: TTN is on the minus strand); the first of 3 consecutive T bases (chr2:178,588,173-178,588,175); deleting any one gives the same sequence. VCF-style (leftmost placement, unchanged base first): chr2-178588172-GT-G. GRCh37 (hg19) VCF-style: chr2-179452899-GT-G.
Other names: c.58311del, p.Lys19437fs (NM_001256850.1); c.36039del, p.Lys12013fs (NM_003319.4); c.55530del, p.Lys18510fs (NM_133378.4); c.36414del, p.Lys12138fs (NM_133432.3); c.36615del, p.Lys12205fs (NM_133437.4); c.36039delA (NM_003319.4); short protein forms K12013fs, K12205fs, K21078fs, K18510fs, K12138fs, K19437fs.
Identifiers: ClinVar variation 2953221 (VCV002953221.4), dbSNP rs2469329299, ClinGen allele CA2577170988.

ClinVar aggregate classification (germline): Likely pathogenic. Review status: criteria provided, multiple submitters, no conflicts (2 of 4 stars). 2 submissions from 2 submitters: Likely pathogenic (2). Last evaluated 2024-10-10.

Conditions:
Cardiovascular phenotype. Identifiers: MedGen CN230736.
Autosomal recessive limb-girdle muscular dystrophy type 2J (LGMDR10). Also called: Limb-girdle muscular dystrophy, type 2J; MUSCULAR DYSTROPHY, LIMB-GIRDLE, AUTOSOMAL RECESSIVE 10. Identifiers: Orphanet 140922, MedGen C1837342, MONDO:0012127, OMIM 608807.
Dilated cardiomyopathy 1G (CMD1G). Identifiers: Orphanet 154, MedGen C1858763, MONDO:0011400, OMIM 604145.

Submissions (2):

Ambry Genetics
Classification: Likely pathogenic for Cardiovascular phenotype. Last evaluated: 2024-10-10. Review status: criteria provided, single submitter. Criteria: Ambry Variant Classification Scheme 2023. Collection method: clinical testing. Allele origin: germline.
Comment: The c.36039delA (p.K12013Nfs*4) alteration, located in exon 133 (coding exon 132) of the TTN gene, consists of a deletion of one nucleotide at position 36039, causing a translational frameshift with a predicted alternate stop codon after 4 amino acids. This alteration is expected to result in loss of function by premature protein truncation or nonsense-mediated mRNA decay. This variant was not reported in population-based cohorts in the Genome Aggregation Database (gnomAD). This exon is located in the A-band region of the N2-B isoform of the titin protein and is constitutively expressed in TTN transcripts (percent spliced in or PSI 100%). Based on the available evidence, this alteration is classified as likely pathogenic.

Labcorp Genetics (formerly Invitae), Labcorp
Classification: Likely pathogenic for Dilated cardiomyopathy 1G; Autosomal recessive limb-girdle muscular dystrophy type 2J. Last evaluated: 2023-10-23. Review status: criteria provided, single submitter. Criteria: Invitae Variant Classification Sherloc (09022015). Collection method: clinical testing. Allele origin: germline.
Comment: This sequence change creates a premature translational stop signal (p.Lys21078Asnfs*4) in the TTN gene. While this is not anticipated to result in nonsense mediated decay, it is expected to create a truncated TTN protein. This variant is not present in population databases (gnomAD no frequency). This variant has not been reported in the literature in individuals affected with TTN-related conditions. This variant is located in the A band of TTN (PMID: 25589632). Truncating variants in this region are significantly overrepresented in patients affected with dilated cardiomyopathy (PMID: 25589632). Truncating variants in this region have also been reported in individuals affected with autosomal recessive centronuclear myopathy (PMID: 23975875). In summary, the currently available evidence indicates that the variant is pathogenic, but additional data are needed to prove that conclusively. Therefore, this variant has been classified as Likely Pathogenic.

Literature cited by the submitters: PubMed 25589632 (cited by Labcorp Genetics (formerly Invitae), Labcorp); PubMed 23975875 (cited by Labcorp Genetics (formerly Invitae), Labcorp).